The following is an entry in ClinVar:

NM_001024630.4(RUNX2):c.1022-3C>A

Gene: RUNX2 (RUNX family transcription factor 2; plus strand). Cytogenetic location: 6p21.1.
Variant type: single nucleotide variant.
Coding change: c.1022-3C>A on transcript NM_001024630.4 (MANE Select); 3 bases into the intron before coding-DNA position 1022, C replaced by A.
Molecular consequence: intron variant.
Genome position (GRCh38, 1-based): chr6:45,545,214, C>A. VCF-style: chr6-45545214-C-A. GRCh37 (hg19) VCF-style: chr6-45512951-C-A.
Other names: c.1022-1613C>A (NM_001015051.4); c.980-3C>A (NM_001369405.1); c.980-1613C>A (NM_001278478.2).
Identifiers: ClinVar variation 2582058 (VCV002582058.1), dbSNP rs1275535914, ClinGen allele CA2582341701.

ClinVar aggregate classification (germline): Uncertain significance (1 of 4 stars; one submission).

gnomAD v4.1: 3 of 1,546,964 alleles (0.00019%); highest among the groups gnomAD compares: Non-Finnish European, 0.00026%; no homozygotes.

Submission:

GeneDx
Classification: Uncertain significance. Last evaluated: 2023-03-30. Review status: criteria provided, single submitter. Criteria: GeneDx Variant Classification Process June 2021. Collection method: clinical testing. Allele origin: germline. Affected: yes.
Comment: Not observed at significant frequency in large population cohorts (gnomAD); In silico analysis supports a deleterious effect on splicing; Has not been previously published as pathogenic or benign to our knowledge